The following is an entry in ClinVar:

NM_001374828.1(ARID1B):c.4844G>T (p.Gly1615Val)

Gene: ARID1B (AT-rich interaction domain 1B; plus strand). Cytogenetic location: 6q25.3.
Variant type: single nucleotide variant.
Coding change: c.4844G>T on transcript NM_001374828.1 (MANE Select); coding-DNA position 4844, G replaced by T.
Protein change: p.Gly1615Val; replaces glycine 1615 with valine.
Molecular consequence: missense variant.
Genome position (GRCh38, 1-based): chr6:157,201,069, G>T. VCF-style: chr6-157201069-G-T. GRCh37 (hg19) VCF-style: chr6-157522203-G-T.
Other names: c.4595G>T, p.Gly1532Val (NM_001346813.1); c.2345G>T, p.Gly782Val (NM_001363725.2); c.4724G>T, p.Gly1575Val (NM_001371656.1, NM_001374820.1); c.4685G>T, p.Gly1562Val (NM_017519.3); c.4475G>T, p.Gly1492Val (NM_020732.3); c.4262G>T, p.Gly1421Val (NM_175863.2); short protein forms G1421V, G1562V, G1575V, G1615V, G1492V, G1532V, G782V.
Identifiers: ClinVar variation 2790455 (VCV002790455.3), dbSNP rs2128374340, ClinGen allele CA366241809.
Genomic context (GRCh38, chr6:157,201,069, plus strand): 5'-CTTATCCCTACCAGAACAGGCAGGGCCCTGGCGGCCCTACACAGGCGCCCCCTTACCCAG[G>T]CATGAACCGCACAGACGATATGATGGTACCCGATCAGAGGATAAATCATGAGAGCCAGTG-3'
Protein context (NP_001361757.1, residues 1605-1625): GGPTQAPPYP[Gly1615Val]MNRTDDMMVP

ClinVar aggregate classification (germline): Uncertain significance (1 of 4 stars; one submission).

Allele frequency attached by ClinVar (database versions not stated): gnomAD exomes below 0.00001.
gnomAD v4.1: 1 of 1,614,056 alleles (0.000062%); highest among the groups gnomAD compares: Non-Finnish European, 0.000085%; no homozygotes.

Submission:

Labcorp Genetics (formerly Invitae), Labcorp
Classification: Uncertain significance. Last evaluated: 2023-05-30. Review status: criteria provided, single submitter. Criteria: Invitae Variant Classification Sherloc (09022015). Collection method: clinical testing. Allele origin: germline.
Comment: In summary, the available evidence is currently insufficient to determine the role of this variant in disease. Therefore, it has been classified as a Variant of Uncertain Significance. Advanced modeling of protein sequence and biophysical properties (such as structural, functional, and spatial information, amino acid conservation, physicochemical variation, residue mobility, and thermodynamic stability) has been performed at Invitae for this missense variant, however the output from this modeling did not meet the statistical confidence thresholds required to predict the impact of this variant on ARID1B protein function. This variant has not been reported in the literature in individuals affected with ARID1B-related conditions. This variant is not present in population databases (gnomAD no frequency). This sequence change replaces glycine, which is neutral and non-polar, with valine, which is neutral and non-polar, at codon 1492 of the ARID1B protein (p.Gly1492Val).